The following is an entry in ClinVar:

NM_001277313.2(FMN1):c.3138+1G>A

Gene: FMN1 (formin 1; minus strand). Cytogenetic location: 15q13.3.
Variant type: single nucleotide variant.
Coding change: c.3138+1G>A on transcript NM_001277313.2 (MANE Select); the canonical splice donor site of the intron after coding-DNA position 3138, G replaced by A.
Molecular consequence: splice donor variant.
Genome position (GRCh38, 1-based): chr15:32,964,106, C>T on the plus strand (G>A on the coding strand, the complement: FMN1 is on the minus strand). VCF-style: chr15-32964106-C-T. GRCh37 (hg19) VCF-style: chr15-33256307-C-T.
Other names: c.2469+1G>A (NM_001103184.4).
Identifiers: ClinVar variation 2879144 (VCV002879144.3), dbSNP rs2030937449, ClinGen allele CA391561693.

ClinVar aggregate classification (germline): Uncertain significance (1 of 4 stars; one submission).

Submission:

Labcorp Genetics (formerly Invitae), Labcorp
Classification: Uncertain significance. Last evaluated: 2024-04-25. Review status: criteria provided, single submitter. Criteria: Invitae Variant Classification Sherloc (09022015). Collection method: clinical testing. Allele origin: germline.
Comment: This sequence change affects a donor splice site in intron 5 of the FMN1 gene. It is expected to disrupt RNA splicing. Variants that disrupt the donor or acceptor splice site typically lead to a loss of protein function (PMID: 16199547), however the current clinical and genetic evidence is not sufficient to establish whether loss-of-function variants in FMN1 cause disease. This variant is not present in population databases (gnomAD no frequency). This variant has not been reported in the literature in individuals affected with FMN1-related conditions. Algorithms developed to predict the effect of sequence changes on RNA splicing suggest that this variant may disrupt the consensus splice site. In summary, the available evidence is currently insufficient to determine the role of this variant in disease. Therefore, it has been classified as a Variant of Uncertain Significance.

Literature cited by the submitters: PubMed 16199547.